The following is an entry in ClinVar:

ClinVar aggregate classification (germline): Uncertain significance (1 of 4 stars; one submission).

Submission:

Labcorp Genetics (formerly Invitae), Labcorp
Classification: Uncertain significance. Last evaluated: 2025-11-03. Review status: criteria provided, single submitter. Criteria: Invitae Variant Classification Sherloc (09022015). Collection method: clinical testing. Allele origin: germline.
Comment: This sequence change replaces arginine, which is basic and polar, with cysteine, which is neutral and slightly polar, at codon 68 of the RPL15 protein (p.Arg68Cys). This variant is not present in population databases (gnomAD no frequency). This variant has not been reported in the literature in individuals affected with RPL15-related conditions. An algorithm developed to predict the effect of missense changes on protein structure and function (PolyPhen-2) suggests that this variant is likely to be tolerated. In summary, the available evidence is currently insufficient to determine the role of this variant in disease. Therefore, it has been classified as a Variant of Uncertain Significance.

NM_002948.5(RPL15):c.202C>T (p.Arg68Cys)

Genes: NKIRAS1 (NFKB inhibitor interacting Ras like 1; minus strand), RPL15 (ribosomal protein L15; plus strand). Cytogenetic location: 3p24.2.
Variant type: single nucleotide variant.
Coding change: c.202C>T on transcript NM_002948.5 (MANE Select); coding-DNA position 202, C replaced by T.
Protein change: p.Arg68Cys; replaces arginine 68 with cysteine.
Molecular consequence: missense variant. On other transcripts: intron variant (1).
Genome position (GRCh38, 1-based): chr3:23,918,469, C>T. VCF-style: chr3-23918469-C-T. GRCh37 (hg19) VCF-style: chr3-23959960-C-T.
Other names: c.202C>T, p.Arg68Cys (NM_001253379.2, NM_001253380.2, NM_001253382.2 and 2 more transcripts); c.-139-7019G>A (NM_001377380.1); short protein forms R68C.
Identifiers: ClinVar variation 4705360 (VCV004705360.1).
Genomic context (GRCh38, chr3:23,918,469, plus strand): 5'-AATCACTAATTTCGTGTGTGTTTGTGTGTAGGTTACGTTATATATAGGATTCGTGTTCGC[C>T]GTGGTGGCCGAAAACGCCCAGTTCCTAAGGGTGCAACTTACGGCAAGCCTGTCCATCATG-3'
Protein context (NP_002939.2, residues 58-78): GYVIYRIRVR[Arg68Cys]GGRKRPVPKG